The following is an entry in ClinVar:

ClinVar aggregate classification (germline): Uncertain significance. Review status: criteria provided, multiple submitters, no conflicts (2 of 4 stars). 2 submissions from 2 submitters: Uncertain significance (2). Last evaluated 2025-05-26.

Conditions:
Hereditary cancer-predisposing syndrome. Also called: Neoplastic Syndromes, Hereditary; Tumor predisposition; Hereditary neoplastic syndrome; Hereditary Cancer Syndrome. Identifiers: Orphanet 140162, MedGen C0027672, MeSH D009386, MONDO:0015356.

gnomAD v4.1: 9 of 1,614,178 alleles (0.00056%); highest among the groups gnomAD compares: Non-Finnish European, 0.00068%; no homozygotes.

Submissions (2):

Labcorp Genetics (formerly Invitae), Labcorp
Classification: Uncertain significance. Last evaluated: 2025-05-26. Review status: criteria provided, single submitter. Criteria: Invitae Variant Classification Sherloc (09022015). Collection method: clinical testing. Allele origin: germline.
Comment: This sequence change replaces proline, which is neutral and non-polar, with glutamine, which is neutral and polar, at codon 134 of the HOXB13 protein (p.Pro134Gln). This variant is not present in population databases (gnomAD no frequency). This missense change has been observed in individual(s) with prostate cancer (PMID: 34799695). ClinVar contains an entry for this variant (Variation ID: 824506). Invitae Evidence Modeling of protein sequence and biophysical properties (such as structural, functional, and spatial information, amino acid conservation, physicochemical variation, residue mobility, and thermodynamic stability) indicates that this missense variant is not expected to disrupt HOXB13 protein function with a negative predictive value of 80%. In summary, the available evidence is currently insufficient to determine the role of this variant in disease. Therefore, it has been classified as a Variant of Uncertain Significance.

Ambry Genetics
Classification: Uncertain significance for Hereditary cancer-predisposing syndrome. Last evaluated: 2024-09-06. Review status: criteria provided, single submitter. Criteria: Ambry Variant Classification Scheme 2023. Collection method: clinical testing. Allele origin: germline.
Comment: The p.P134Q variant (also known as c.401C>A), located in coding exon 1 of the HOXB13 gene, results from a C to A substitution at nucleotide position 401. The proline at codon 134 is replaced by glutamine, an amino acid with similar properties. This amino acid position is well conserved in available vertebrate species. In addition, the in silico prediction for this alteration is inconclusive. Based on the available evidence, the clinical significance of this variant remains unclear.

Literature cited by the submitters: PubMed 34799695 (cited by Labcorp Genetics (formerly Invitae), Labcorp).

NM_006361.6(HOXB13):c.401C>A (p.Pro134Gln)

Gene: HOXB13 (homeobox B13; minus strand). Cytogenetic location: 17q21.32.
Variant type: single nucleotide variant.
Coding change: c.401C>A on transcript NM_006361.6 (MANE Select); coding-DNA position 401, C replaced by A.
Protein change: p.Pro134Gln; replaces proline 134 with glutamine.
Molecular consequence: missense variant.
Genome position (GRCh38, 1-based): chr17:48,728,193, G>T on the plus strand (C>A on the coding strand, the complement: HOXB13 is on the minus strand). VCF-style: chr17-48728193-G-T. GRCh37 (hg19) VCF-style: chr17-46805555-G-T.
Other names: short protein forms P134Q.
Identifiers: ClinVar variation 824506 (VCV000824506.15), dbSNP rs1597934280, ClinGen allele CA400107532.